The following is an entry in ClinVar:

ClinVar aggregate classification (germline): Uncertain significance (1 of 4 stars; one submission).

Conditions:
X-linked severe combined immunodeficiency (SCIDX1). Also called: IMMUNODEFICIENCY 4; SCID, X-LINKED; SEVERE COMBINED IMMUNODEFICIENCY, X-LINKED, T CELL-NEGATIVE, B CELL-POSITIVE, NK CELL-NEGATIVE; T-B+ severe combined immunodeficiency due to gamma chain deficiency; X-Linked Combined Immunodeficiency Diseases. Identifiers: Orphanet 276, MedGen C6022468, MONDO:0010315, OMIM 300400. Disease mechanism: loss of function.

Submission:

Labcorp Genetics (formerly Invitae), Labcorp
Classification: Uncertain significance for X-linked severe combined immunodeficiency. Last evaluated: 2021-04-22. Review status: criteria provided, single submitter. Criteria: Invitae Variant Classification Sherloc (09022015). Collection method: clinical testing. Allele origin: germline.
Comment: This variant results in a copy number gain of the genomic region encompassing the full coding sequence of the IL2RG gene. The boundaries of this event are unknown as they extend beyond the assayed region for this gene and therefore may encompass additional genes. As the precise location of this event is unknown, it may be in tandem or it may be located elsewhere in the genome. This variant has not been reported in the literature in individuals with IL2RG-related conditions. In summary, the available evidence is currently insufficient to determine the role of this variant in disease. Therefore, it has been classified as a Variant of Uncertain Significance.

NC_000023.10:g.(?_70327586)_(70683896_?)dup

Genes: GJB1 (gap junction protein beta 1; plus strand), IL2RG (interleukin 2 receptor subunit gamma; minus strand), ITGB1BP2 (integrin subunit beta 1 binding protein 2; plus strand), MED12 (mediator complex subunit 12; plus strand), NLGN3 (neuroligin 3; plus strand) and 3 more. Cytogenetic location: Xq13.1.
Variant type: Duplication.
Identifiers: ClinVar variation 2422586 (VCV002422586.3).